The following is an entry in ClinVar:

ClinVar aggregate classification (germline): Pathogenic. Review status: criteria provided, multiple submitters, no conflicts (2 of 4 stars). 2 submissions from 2 submitters: Pathogenic (2). Last evaluated 2025-05-25.

Conditions:
Congenital hyperammonemia, type I. Also called: Carbamoyl-phosphate synthase I deficiency; Carbamoyl phosphate synthetase 1 deficiency; Hyperammonemia due to carbamoyl phosphate synthetase 1 deficiency; CPS 1 deficiency; Carbamyl phosphate synthetase (CPS) deficiency; Carbamoyl phosphate synthetase I deficiency disease. Identifiers: Orphanet 147, MedGen C4082171, MONDO:0009376, OMIM 237300.

Submissions (2):

Myriad Genetics, Inc.
Classification: Pathogenic for Congenital hyperammonemia, type I. Last evaluated: 2025-05-25. Review status: criteria provided, single submitter. Criteria: Myriad Autosomal Dominant, Autosomal Recessive and X-Linked Classification Criteria (2023). Collection method: clinical testing. Allele origin: unknown.
Comment: NM_001875.4(CPS1):c.3216delT(V1073Sfs*27) is expected to be pathogenic in the context of carbamoylphosphate synthetase I deficiency. This variant is predicted to lead to an abnormal or absent protein product due to the creation of a premature termination codon in CPS1, a gene where loss-of-function variants are known to be pathogenic. Please note: this variant was assessed in the context of healthy population screening.

Labcorp Genetics (formerly Invitae), Labcorp
Classification: Pathogenic for Congenital hyperammonemia, type I. Last evaluated: 2021-08-23. Review status: criteria provided, single submitter. Criteria: Invitae Variant Classification Sherloc (09022015). Collection method: clinical testing. Allele origin: germline.
Comment: For these reasons, this variant has been classified as Pathogenic. This variant has not been reported in the literature in individuals affected with CPS1-related conditions. This variant is not present in population databases (ExAC no frequency). This sequence change creates a premature translational stop signal (p.Val1073Serfs*27) in the CPS1 gene. It is expected to result in an absent or disrupted protein product. Loss-of-function variants in CPS1 are known to be pathogenic (PMID: 21120950).

Literature cited by the submitters: PubMed 21120950 (cited by Labcorp Genetics (formerly Invitae), Labcorp).

NM_001875.5(CPS1):c.3216del (p.Val1073fs)

Gene: CPS1 (carbamoyl-phosphate synthase 1; plus strand). Cytogenetic location: 2q34.
Variant type: Deletion.
Coding change: c.3216del on transcript NM_001875.5 (MANE Select); coding-DNA position 3216, one base deleted (T; older notation c.3216delT).
Protein change: p.Val1073fs; shifts the reading frame from valine 1073.
Molecular consequence: frameshift variant. On other transcripts: non-coding transcript variant (2).
Genome position (GRCh38, 1-based): chr2:210,647,937, T deleted. VCF-style (leftmost placement, unchanged base first): chr2-210647936-GT-G. GRCh37 (hg19) VCF-style: chr2-211512660-GT-G.
Other names: c.3216del, p.Val1073fs (NM_001122633.3, NM_001369257.1); c.3249del, p.Val1084fs (NM_001369256.1); short protein forms V1084fs, V1073fs.
Identifiers: ClinVar variation 1457203 (VCV001457203.7), dbSNP rs2105907969, ClinGen allele CA2573135092.